The following is an entry in ClinVar:

ClinVar aggregate classification (germline): Uncertain significance (1 of 4 stars; one submission).

Allele frequency attached by ClinVar (database versions not stated): TOPMed below 0.00001; gnomAD 0.00001.
gnomAD v4.1: 1 of 1,614,030 alleles (0.000062%); highest among the groups gnomAD compares: African/African-American, 0.0013%; no homozygotes.

Submission:

Labcorp Genetics (formerly Invitae), Labcorp
Classification: Uncertain significance. Last evaluated: 2022-10-30. Review status: criteria provided, single submitter. Criteria: Invitae Variant Classification Sherloc (09022015). Collection method: clinical testing. Allele origin: germline.
Comment: This variant is not present in population databases (gnomAD no frequency). This variant has not been reported in the literature in individuals affected with ABCG8-related conditions. Advanced modeling of protein sequence and biophysical properties (such as structural, functional, and spatial information, amino acid conservation, physicochemical variation, residue mobility, and thermodynamic stability) performed at Invitae indicates that this missense variant is expected to disrupt ABCG8 protein function. In summary, the available evidence is currently insufficient to determine the role of this variant in disease. Therefore, it has been classified as a Variant of Uncertain Significance. This sequence change replaces proline, which is neutral and non-polar, with arginine, which is basic and polar, at codon 460 of the ABCG8 protein (p.Pro460Arg).

NM_022437.3(ABCG8):c.1379C>G (p.Pro460Arg)

Gene: ABCG8 (ATP binding cassette subfamily G member 8; plus strand). Cytogenetic location: 2p21.
Variant type: single nucleotide variant.
Coding change: c.1379C>G on transcript NM_022437.3 (MANE Select); coding-DNA position 1379, C replaced by G.
Protein change: p.Pro460Arg; replaces proline 460 with arginine.
Molecular consequence: missense variant.
Genome position (GRCh38, 1-based): chr2:43,873,954, C>G. VCF-style: chr2-43873954-C-G. GRCh37 (hg19) VCF-style: chr2-44101093-C-G.
Other names: c.1376C>G, p.Pro459Arg (NM_001357321.2); short protein forms P459R, P460R.
Identifiers: ClinVar variation 1719902 (VCV001719902.5), dbSNP rs1401983879, ClinGen allele CA346669560.
Genomic context (GRCh38, chr2:43,873,954, plus strand): 5'-GCATCCAGCTCTCCTTCATGGATACAGCCGCCCTCTTGTTCATGATCGGTGCTCTCATCC[C>G]TTTCAACGTCATTCTGGATGTCATCTCCAAATGTGAGTGTGGCCCACTGGCATGGGCAGG-3'
Protein context (NP_071882.1, residues 450-470): ALLFMIGALI[Pro460Arg]FNVILDVISK